The following is an entry in ClinVar:

ClinVar aggregate classification (germline): Uncertain significance. Review status: criteria provided, multiple submitters, no conflicts (2 of 4 stars). 5 submissions from 5 submitters: Uncertain significance (4). 1 of the submissions does not count toward it. Last evaluated 2025-08-23.

Conditions:
Ellis-van Creveld syndrome (EVC). Also called: MESOECTODERMAL DYSPLASIA; Chondroectodermal dysplasia. Identifiers: Orphanet 289, MedGen C0013903, MONDO:0009162, OMIM 225500.
Curry-Hall syndrome (WAD). Also called: WEYERS ACRODENTAL DYSOSTOSIS. Identifiers: Orphanet 952, MedGen C0457013, MONDO:0008673, OMIM 193530.

Allele frequency attached by ClinVar (database versions not stated): TOPMed 0.00005; gnomAD exomes 0.00009 and 0.00010; gnomAD 0.00010 and 0.00011; ExAC 0.00014; ESP Exome Variant Server 0.00015; 1000 Genomes Project 30x 0.00016; 1000 Genomes Project 0.00020.
gnomAD v4.1: 162 of 1,614,020 alleles (0.01%); highest among the groups gnomAD compares: Non-Finnish European, 0.011%; 1 homozygote.

Submissions (5):

Labcorp Genetics (formerly Invitae), Labcorp
Classification: Uncertain significance for Curry-Hall syndrome; Ellis-van Creveld syndrome. Last evaluated: 2025-08-23. Review status: criteria provided, single submitter. Criteria: Invitae Variant Classification Sherloc (09022015). Collection method: clinical testing. Allele origin: germline.
Comment: This sequence change replaces valine, which is neutral and non-polar, with methionine, which is neutral and non-polar, at codon 781 of the EVC protein (p.Val781Met). This variant is present in population databases (rs370514515, gnomAD 0.02%). This variant has not been reported in the literature in individuals affected with EVC-related conditions. ClinVar contains an entry for this variant (Variation ID: 349199). Invitae Evidence Modeling of protein sequence and biophysical properties (such as structural, functional, and spatial information, amino acid conservation, physicochemical variation, residue mobility, and thermodynamic stability) has been performed for this missense variant. However, the output from this modeling did not meet the statistical confidence thresholds required to predict the impact of this variant on EVC protein function. In summary, the available evidence is currently insufficient to determine the role of this variant in disease. Therefore, it has been classified as a Variant of Uncertain Significance.

Blueprint Genetics
Classification: Uncertain significance. Last evaluated: 2024-10-17. Review status: criteria provided, single submitter. Criteria: ACMG Guidelines, 2015. Collection method: clinical testing. Allele origin: germline.

Fulgent Genetics
Classification: Uncertain significance for Curry-Hall syndrome; Ellis-van Creveld syndrome. Last evaluated: 2024-02-21. Review status: criteria provided, single submitter. Criteria: ACMG Guidelines, 2015. Collection method: clinical testing. Allele origin: germline.

Illumina Laboratory Services, Illumina
Classification: Uncertain significance for Ellis-van Creveld syndrome. Last evaluated: 2018-01-13. Review status: criteria provided, single submitter. Criteria: ICSL Variant Classification Criteria 13 December 2019. Collection method: clinical testing. Allele origin: germline.

Natera, Inc.
Classification: Uncertain significance for Ellis-van Creveld syndrome. Last evaluated: 2020-03-04. Review status: no assertion criteria provided. Collection method: clinical testing. Allele origin: germline. Not counted in ClinVar's aggregate classification.

NM_153717.3(EVC):c.2341G>A (p.Val781Met)

Gene: EVC (EvC ciliary complex subunit 1; plus strand). Cytogenetic location: 4p16.2.
Variant type: single nucleotide variant.
Coding change: c.2341G>A on transcript NM_153717.3 (MANE Select); coding-DNA position 2341, G replaced by A.
Protein change: p.Val781Met; replaces valine 781 with methionine.
Molecular consequence: missense variant.
Genome position (GRCh38, 1-based): chr4:5,801,986, G>A. VCF-style: chr4-5801986-G-A. GRCh37 (hg19) VCF-style: chr4-5803713-G-A.
Other names: c.2341G>A, p.Val781Met (NM_001306090.2); short protein forms V781M.
Identifiers: ClinVar variation 349199 (VCV000349199.16), dbSNP rs370514515, ClinGen allele CA2836470.